The following is an entry in ClinVar:

NM_007118.4(TRIO):c.2748G>T (p.Val916=)

Gene: TRIO (trio Rho guanine nucleotide exchange factor; plus strand). Cytogenetic location: 5p15.2.
Variant type: single nucleotide variant.
Coding change: c.2748G>T on transcript NM_007118.4 (MANE Select); coding-DNA position 2748, G replaced by T.
Protein change: p.Val916=; no amino-acid change (valine 916 retained).
Molecular consequence: synonymous variant. On other transcripts: non-coding transcript variant (1).
Genome position (GRCh38, 1-based): chr5:14,364,810, G>T. VCF-style: chr5-14364810-G-T. GRCh37 (hg19) VCF-style: chr5-14364919-G-T.
Identifiers: ClinVar variation 1218496 (VCV001218496.28), dbSNP rs148295889, ClinGen allele CA3205977.
Genomic context (GRCh38, chr5:14,364,810, plus strand): 5'-AGAGCAGCATCGGAAACACCTGGAGCAGTGCGTGCAGCTGCGCCACCTGCAGGCAGAAGT[G>T]AAACAGGTGAGCAAACGACTGGATGCTTGGGGAGGCTGCGCTACAGATGCTTGATACCTC-3'
Protein context (NP_009049.2, residues 906-926): CVQLRHLQAE[Val916=]KQVLGWIRNG

ClinVar aggregate classification (germline): Likely benign. Review status: criteria provided, multiple submitters, no conflicts (2 of 4 stars). 3 submissions from 3 submitters: Likely benign (3). Last evaluated 2026-06-01.

Allele frequency attached by ClinVar (database versions not stated): gnomAD exomes 0.00008; ExAC 0.00014; 1000 Genomes Project 30x 0.00016; 1000 Genomes Project 0.00020; ESP Exome Variant Server 0.00031; TOPMed 0.00060; gnomAD 0.00062 and 0.00068.
gnomAD v4.1: 139 of 1,604,760 alleles (0.0087%); highest among the groups gnomAD compares: African/African-American, 0.17%; no homozygotes.

Submissions (3):

CeGaT Center for Human Genetics Tuebingen
Classification: Likely benign. Last evaluated: 2026-06-01. Review status: criteria provided, single submitter. Criteria: CeGaT Center For Human Genetics Tuebingen Variant Classification Criteria Version 2. Collection method: clinical testing. Allele origin: germline. Affected: yes. Observed: 2 variant alleles.
Comment: TRIO: BP4, BP7, BS1

Blueprint Genetics
Classification: Likely benign. Last evaluated: 2023-02-01. Review status: criteria provided, single submitter. Criteria: ACMG Guidelines, 2015. Collection method: clinical testing. Allele origin: germline.

GeneDx
Classification: Likely benign. Last evaluated: 2021-05-18. Review status: criteria provided, single submitter. Criteria: GeneDx Variant Classification Process June 2021. Collection method: clinical testing. Allele origin: germline. Affected: yes.